The following is an entry in ClinVar:

ClinVar aggregate classification (germline): Uncertain significance (1 of 4 stars; one submission).

Conditions:
Early-infantile DEE. Also called: Ohtahara syndrome; Early infantile epileptic encephalopathy with suppression bursts; Early infantile epileptic encephalopathy. Identifiers: Orphanet 1934, MedGen C0393706, MONDO:0800491.

Allele frequency attached by ClinVar (database versions not stated): gnomAD exomes below 0.00001.
gnomAD v4.1: 2 of 1,614,194 alleles (0.00012%); highest among the groups gnomAD compares: Non-Finnish European, 0.00017%; no homozygotes.

Submission:

Labcorp Genetics (formerly Invitae), Labcorp
Classification: Uncertain significance for Early-infantile DEE. Last evaluated: 2022-08-06. Review status: criteria provided, single submitter. Criteria: Invitae Variant Classification Sherloc (09022015). Collection method: clinical testing. Allele origin: germline.
Comment: This sequence change replaces alanine, which is neutral and non-polar, with aspartic acid, which is acidic and polar, at codon 1189 of the SPTAN1 protein (p.Ala1189Asp). This variant is not present in population databases (gnomAD no frequency). This variant has not been reported in the literature in individuals affected with SPTAN1-related conditions. ClinVar contains an entry for this variant (Variation ID: 1421068). Algorithms developed to predict the effect of missense changes on protein structure and function are either unavailable or do not agree on the potential impact of this missense change (SIFT: "Deleterious"; PolyPhen-2: "Probably Damaging"; Align-GVGD: "Class C0"). In summary, the available evidence is currently insufficient to determine the role of this variant in disease. Therefore, it has been classified as a Variant of Uncertain Significance.

NM_001130438.3(SPTAN1):c.3566C>A (p.Ala1189Asp)

Gene: SPTAN1 (spectrin alpha, non-erythrocytic 1; plus strand). Cytogenetic location: 9q34.11.
Variant type: single nucleotide variant.
Coding change: c.3566C>A on transcript NM_001130438.3 (MANE Select); coding-DNA position 3566, C replaced by A.
Protein change: p.Ala1189Asp; replaces alanine 1189 with aspartic acid.
Molecular consequence: missense variant.
Genome position (GRCh38, 1-based): chr9:128,600,102, C>A. VCF-style: chr9-128600102-C-A. GRCh37 (hg19) VCF-style: chr9-131362381-C-A.
Other names: c.3506C>A, p.Ala1169Asp (NM_001195532.2, NM_001363765.2, NM_001375314.2); c.3566C>A, p.Ala1189Asp (NM_001363759.2, NM_001375310.1, NM_001375311.2 and 2 more transcripts); c.3602C>A, p.Ala1201Asp (NM_001375312.2, NM_001375318.1); short protein forms A1169D, A1189D, A1201D.
Identifiers: ClinVar variation 1421068 (VCV001421068.7), dbSNP rs1004013873, ClinGen allele CA200392878.